The following is an entry in ClinVar:

ClinVar aggregate classification (germline): Conflicting classifications of pathogenicity. Review status: criteria provided, conflicting classifications (1 of 4 stars). 10 submissions from 10 submitters: Uncertain significance (7); Likely benign (2). 1 of the submissions does not count toward it. Last evaluated 2026-01-19.

Conditions:
PALB2-related disorder. Also called: PALB2-related condition; PALB2-related disorders.
Hereditary cancer-predisposing syndrome. Also called: Tumor predisposition; Hereditary neoplastic syndrome; Neoplastic Syndromes, Hereditary; Hereditary Cancer Syndrome. Identifiers: Orphanet 140162, MedGen C0027672, MeSH D009386, MONDO:0015356.
Familial cancer of breast. Also called: BREAST CANCER, FAMILIAL; hereditary breast carcinoma; Hereditary breast cancer. Identifiers: Orphanet 227535, MedGen C0346153, MONDO:0016419, OMIM 114480. Disease mechanism: loss of function.

Allele frequency attached by ClinVar (database versions not stated): gnomAD 0.00001; gnomAD exomes 0.00001 and 0.00003; TOPMed 0.00001; ExAC 0.00002.
gnomAD v4.1: 9 of 1,603,710 alleles (0.00056%); highest among the groups gnomAD compares: Admixed American, 0.013%; no homozygotes.

Submissions (10):

Labcorp Genetics (formerly Invitae), Labcorp
Classification: Uncertain significance for Familial cancer of breast. Last evaluated: 2026-01-19. Review status: criteria provided, single submitter. Criteria: Invitae Variant Classification Sherloc (09022015). Collection method: clinical testing. Allele origin: germline.
Comment: This sequence change replaces proline, which is neutral and non-polar, with glutamine, which is neutral and polar, at codon 918 of the PALB2 protein (p.Pro918Gln). This variant is present in population databases (rs587780822, gnomAD 0.02%). This missense change has been observed in individual(s) with gastric cancer (PMID: 28024868). ClinVar contains an entry for this variant (Variation ID: 136136). Invitae Evidence Modeling of protein sequence and biophysical properties (such as structural, functional, and spatial information, amino acid conservation, physicochemical variation, residue mobility, and thermodynamic stability) indicates that this missense variant is expected to disrupt PALB2 protein function with a positive predictive value of 80%. In summary, the available evidence is currently insufficient to determine the role of this variant in disease. Therefore, it has been classified as a Variant of Uncertain Significance.

Quest Diagnostics Nichols Institute San Juan Capistrano
Classification: Uncertain significance. Last evaluated: 2025-08-13. Review status: criteria provided, single submitter. Criteria: Quest Diagnostics criteria. Collection method: clinical testing. Allele origin: unknown.
Comment: The PALB2 c.2753C>A (p.Pro918Gln) variant has been reported in the published literature in an individual with gastric cancer (PMID: 28024868 (2017)). The frequency of this variant in the general population (Genome Aggregation Database) is uninformative in the assessment of its pathogenicity. Analysis of this variant using bioinformatics tools for the prediction of the effect of amino acid changes on protein structure and function yielded predictions that this variant is damaging. Based on the available information, we are unable to determine the clinical significance of this variant.

Myriad Genetics, Inc.
Classification: Likely benign for Familial cancer of breast. Last evaluated: 2025-01-17. Review status: criteria provided, single submitter. Criteria: Myriad Autosomal Dominant, Autosomal Recessive and X-Linked Classification Criteria (2023). Collection method: clinical testing. Allele origin: unknown.
Comment: This variant is considered likely benign. This variant is strongly associated with less severe personal and family histories of cancer, typical for individuals without pathogenic variants in this gene [PMID: 25085752].

Baylor Genetics
Classification: Uncertain significance for Familial cancer of breast. Last evaluated: 2024-02-25. Review status: criteria provided, single submitter. Criteria: ACMG Guidelines, 2015. Collection method: clinical testing. Allele origin: unknown.

GeneDx
Classification: Uncertain significance. Last evaluated: 2023-01-24. Review status: criteria provided, single submitter. Criteria: GeneDx Variant Classification Process June 2021. Collection method: clinical testing. Allele origin: germline. Affected: yes.
Comment: In silico analysis supports that this missense variant has a deleterious effect on protein structure/function; Observed in individuals with gastric cancer (Sahasrabudhe et al., 2017); This variant is associated with the following publications: (PMID: 29706558, 24485656, 19609323, 20871615, 28024868)

Sema4
Classification: Uncertain significance for Hereditary cancer-predisposing syndrome. Last evaluated: 2021-11-27. Review status: criteria provided, single submitter. Criteria: Sema4 Curation Guidelines. Collection method: curation. Allele origin: germline.
Comment: The PALB2 c.2753C>A (p.P918Q) variant has been reported in a family affected with 3 cases of gastric cancer, and segregated with disease in the affected mother and daughter (PMID: 28024868). It was observed in 8/34498 chromosomes of the Latino subpopulation in the large and broad cohorts of the Genome Aggregation Database (PMID: 32461654). The variant has been reported in ClinVar (Variation ID 136136). Functional studies have not been performed, and in silico predictions of the variant's effect on protein function are inconclusive. The evidence is insufficient to meet ACMG/AMP criteria for classifying the variant as benign or pathogenic. Thus, the clinical significance of this variant is currently uncertain.

Ambry Genetics
Classification: Likely benign for Hereditary cancer-predisposing syndrome. Last evaluated: 2021-06-04. Review status: criteria provided, single submitter. Criteria: Ambry Variant Classification Scheme 2023. Collection method: clinical testing. Allele origin: germline.

Color Diagnostics, LLC DBA Color Health
Classification: Uncertain significance for Hereditary cancer-predisposing syndrome. Last evaluated: 2021-03-18. Review status: criteria provided, single submitter. Criteria: ACMG Guidelines, 2015. Collection method: clinical testing. Allele origin: germline.
Comment: This missense variant replaces proline with glutamine at codon 918 of the PALB2 protein. Computational prediction is inconclusive regarding the impact of this variant on protein structure and function (internally defined REVEL score threshold 0.5 < inconclusive < 0.7, PMID: 27666373). To our knowledge, functional studies have not been reported for this variant. This variant has been reported in an individual affected with hereditary diffuse gastric cancer (PMID: 28024868). This variant has been identified in 8/249726 chromosomes in the general population by the Genome Aggregation Database (gnomAD). The available evidence is insufficient to determine the role of this variant in disease conclusively. Therefore, this variant is classified as a Variant of Uncertain Significance.

Breakthrough Genomics
Classification: Uncertain significance. Review status: criteria provided, single submitter. Criteria: ACMG Guidelines, 2015. Collection method: not provided. Allele origin: germline. Inheritance: Autosomal dominant inheritance. Affected: yes.

PreventionGenetics, part of Exact Sciences
Classification: Uncertain significance for PALB2-related condition. Last evaluated: 2024-08-26. Review status: no assertion criteria provided. Collection method: clinical testing. Allele origin: germline. Not counted in ClinVar's aggregate classification.
Comment: The PALB2 c.2753C>A variant is predicted to result in the amino acid substitution p.Pro918Gln. This variant was reported in a mother and daughter who were both diagnosed with gastric cancer (Sahasrabudhe et al. 2017. PubMed ID: 28024868). The p.Pro918Gln residue resides within the WD40 domain that mediates protein binding with BRCA2, RAD51, and RAD51C (Sahasrabudhe et al. 2017. PubMed ID: 28024868). This variant is reported in 0.023% of alleles in individuals of Latino descent in gnomAD and has been classified as a variant of uncertain significance in ClinVar by the vast majority of submitters. At this time, the clinical significance of this variant is uncertain due to the absence of conclusive functional and genetic evidence.

Literature cited by the submitters: PubMed 28024868 (cited by 4 submitters); PubMed 25085752 (cited by Myriad Genetics, Inc.); PubMed 29706558 (cited by Ambry Genetics).

NM_024675.4(PALB2):c.2753C>A (p.Pro918Gln)

Gene: PALB2 (partner and localizer of BRCA2; minus strand). Cytogenetic location: 16p12.2.
Variant type: single nucleotide variant.
Coding change: c.2753C>A on transcript NM_024675.4 (MANE Select); coding-DNA position 2753, C replaced by A.
Protein change: p.Pro918Gln; replaces proline 918 with glutamine.
Molecular consequence: missense variant.
Genome position (GRCh38, 1-based): chr16:23,624,090, G>T on the plus strand (C>A on the coding strand, the complement: PALB2 is on the minus strand). VCF-style: chr16-23624090-G-T. GRCh37 (hg19) VCF-style: chr16-23635411-G-T.
Other names: short protein forms P918Q.
Identifiers: ClinVar variation 136136 (VCV000136136.29), dbSNP rs587780822, ClinGen allele CA332974.
Genomic context (GRCh38, chr16:23,624,090, plus strand): 5'-TTTCCCAAAGCTACACACACGAGATTATACACATCAGGCACTGGAACTATCTGTAATACT[G>T]GAACCTAAATAAAACAAAGCAGCCAAAAATTATGCTTGGTTGTTTCATTTTTGTTTAATC-3'
Protein context (NP_078951.2, residues 908-928): KLYTWHFAEV[Pro918Gln]VLQIVPVPDV